The following is an entry in ClinVar:

NM_000553.6(WRN):c.3281T>G (p.Val1094Gly)

Gene: WRN (WRN RecQ like helicase; plus strand). Cytogenetic location: 8p12.
Variant type: single nucleotide variant.
Coding change: c.3281T>G on transcript NM_000553.6 (MANE Select); coding-DNA position 3281, T replaced by G.
Protein change: p.Val1094Gly; replaces valine 1094 with glycine.
Molecular consequence: missense variant.
Genome position (GRCh38, 1-based): chr8:31,142,673, T>G. VCF-style: chr8-31142673-T-G. GRCh37 (hg19) VCF-style: chr8-31000189-T-G.
Other names: short protein forms V1094G.
Identifiers: ClinVar variation 581944 (VCV000581944.4), dbSNP rs1563377393, ClinGen allele CA370923437.

ClinVar aggregate classification (germline): Uncertain significance (1 of 4 stars; one submission).

Conditions:
Werner syndrome (WRN). Identifiers: Orphanet 902, MedGen C0043119, MONDO:0010196, OMIM 277700.

Submission:

Labcorp Genetics (formerly Invitae), Labcorp
Classification: Uncertain significance for Werner syndrome. Last evaluated: 2018-04-11. Review status: criteria provided, single submitter. Criteria: Invitae Variant Classification Sherloc (09022015). Collection method: clinical testing. Allele origin: germline.
Comment: This sequence change replaces valine with glycine at codon 1094 of the WRN protein (p.Val1094Gly). The valine residue is weakly conserved and there is a moderate physicochemical difference between valine and glycine. This variant is not present in population databases (ExAC no frequency). This variant has not been reported in the literature in individuals with WRN-related disease. Algorithms developed to predict the effect of missense changes on protein structure and function (SIFT, PolyPhen-2, Align-GVGD) all suggest that this variant is likely to be tolerated, but these predictions have not been confirmed by published functional studies and their clinical significance is uncertain. In summary, the available evidence is currently insufficient to determine the role of this variant in disease. Therefore, it has been classified as a Variant of Uncertain Significance.